The following is an entry in ClinVar:

ClinVar aggregate classification (germline): Uncertain significance (1 of 4 stars; one submission).

Conditions:
Cardiovascular phenotype. Identifiers: MedGen CN230736.

Allele frequency attached by ClinVar (database versions not stated): gnomAD 0.00001; TOPMed 0.00001.

Submission:

Ambry Genetics
Classification: Uncertain significance for Cardiovascular phenotype. Last evaluated: 2022-08-10. Review status: criteria provided, single submitter. Criteria: Ambry Variant Classification Scheme 2023. Collection method: clinical testing. Allele origin: germline.
Comment: The p.A160V variant (also known as c.479C>T), located in coding exon 4 of the GPD1L gene, results from a C to T substitution at nucleotide position 479. The alanine at codon 160 is replaced by valine, an amino acid with similar properties. This amino acid position is conserved. In addition, this alteration is predicted to be tolerated by in silico analysis. Since supporting evidence is limited at this time, the clinical significance of this alteration remains unclear.

NM_015141.4(GPD1L):c.479C>T (p.Ala160Val)

Gene: GPD1L (glycerol-3-phosphate dehydrogenase 1 like; plus strand). Cytogenetic location: 3p22.3.
Variant type: single nucleotide variant.
Coding change: c.479C>T on transcript NM_015141.4 (MANE Select); coding-DNA position 479, C replaced by T.
Protein change: p.Ala160Val; replaces alanine 160 with valine.
Molecular consequence: missense variant.
Genome position (GRCh38, 1-based): chr3:32,140,340, C>T. VCF-style: chr3-32140340-C-T. GRCh37 (hg19) VCF-style: chr3-32181832-C-T.
Other names: short protein forms A160V.
Identifiers: ClinVar variation 1743159 (VCV001743159.2), dbSNP rs1238120320, ClinGen allele CA351974893.